The following is an entry in ClinVar:

NM_006231.4(POLE):c.1313del (p.Glu438fs)

Gene: POLE (DNA polymerase epsilon, catalytic subunit; minus strand). Cytogenetic location: 12q24.33.
Variant type: Deletion.
Coding change: c.1313del on transcript NM_006231.4 (MANE Select); coding-DNA position 1313, one base deleted (A; older notation c.1313delA).
Protein change: p.Glu438fs; shifts the reading frame from glutamic acid 438.
Molecular consequence: frameshift variant.
Genome position (GRCh38, 1-based): chr12:132,673,621, T deleted on the plus strand (A on the coding strand, the reverse complement: POLE is on the minus strand). VCF-style (leftmost placement, unchanged base first): chr12-132673620-CT-C. GRCh37 (hg19) VCF-style: chr12-133250206-CT-C.
Other names: short protein forms E438fs.
Identifiers: ClinVar variation 2696402 (VCV002696402.3), dbSNP rs2542145750, ClinGen allele CA2697551608.
Genomic context (GRCh38, chr12:132,673,620, plus strand): 5'-ATGTGGCTTACGTGCCTGGGGCTGCTCCGTGGCCATCCGGCACATGTCCTCCGGGTCTAG[CT>C]CCACGGGATCATAGCCTAGCTTGGCCTTGGCGGCCGCCTTGAGATTATGACTGCCCACAG-3'

ClinVar aggregate classification (germline): Pathogenic (1 of 4 stars; one submission).

Submission:

Labcorp Genetics (formerly Invitae), Labcorp
Classification: Pathogenic. Last evaluated: 2023-11-17. Review status: criteria provided, single submitter. Criteria: Invitae Variant Classification Sherloc (09022015). Collection method: clinical testing. Allele origin: germline.
Comment: This sequence change creates a premature translational stop signal (p.Glu438Glyfs*2) in the POLE gene. It is expected to result in an absent or disrupted protein product. Loss-of-function variants in POLE are known to be pathogenic (PMID: 23230001, 25948378, 30503519). This variant is not present in population databases (gnomAD no frequency). This variant has not been reported in the literature in individuals affected with POLE-related conditions. For these reasons, this variant has been classified as Pathogenic.

Literature cited by the submitters: PubMed 23230001; PubMed 25948378; PubMed 30503519.